The following is an entry in ClinVar:

ClinVar aggregate classification (germline): Uncertain significance (1 of 4 stars; one submission).

Conditions:
Hereditary sensory neuropathy-deafness-dementia syndrome. Also called: HSN IE; Hereditary sensory neuropathy type IE; NEUROPATHY, HEREDITARY SENSORY, WITH HEARING LOSS AND DEMENTIA; Hereditary Sensory and Autonomic Neuropathy Type 1E (HSAN1E). Identifiers: Orphanet 456318, MedGen C3279885, MONDO:0013584, OMIM 614116.

Submission:

Labcorp Genetics (formerly Invitae), Labcorp
Classification: Uncertain significance for Hereditary sensory neuropathy-deafness-dementia syndrome. Last evaluated: 2024-12-30. Review status: criteria provided, single submitter. Criteria: Invitae Variant Classification Sherloc (09022015). Collection method: clinical testing. Allele origin: germline.
Comment: This sequence change replaces aspartic acid, which is acidic and polar, with tyrosine, which is neutral and polar, at codon 722 of the DNMT1 protein (p.Asp722Tyr). This variant is not present in population databases (gnomAD no frequency). This variant has not been reported in the literature in individuals affected with DNMT1-related conditions. ClinVar contains an entry for this variant (Variation ID: 1487088). Invitae Evidence Modeling of protein sequence and biophysical properties (such as structural, functional, and spatial information, amino acid conservation, physicochemical variation, residue mobility, and thermodynamic stability) indicates that this missense variant is not expected to disrupt DNMT1 protein function with a negative predictive value of 80%. In summary, the available evidence is currently insufficient to determine the role of this variant in disease. Therefore, it has been classified as a Variant of Uncertain Significance.

NM_001130823.3(DNMT1):c.2164G>T (p.Asp722Tyr)

Gene: DNMT1 (DNA methyltransferase 1; minus strand). Cytogenetic location: 19p13.2.
Variant type: single nucleotide variant.
Coding change: c.2164G>T on transcript NM_001130823.3 (MANE Select); coding-DNA position 2164, G replaced by T.
Protein change: p.Asp722Tyr; replaces aspartic acid 722 with tyrosine.
Molecular consequence: missense variant.
Genome position (GRCh38, 1-based): chr19:10,151,499, C>A on the plus strand (G>T on the coding strand, the complement: DNMT1 is on the minus strand). VCF-style: chr19-10151499-C-A. GRCh37 (hg19) VCF-style: chr19-10262175-C-A.
Other names: c.2116G>T, p.Asp706Tyr (NM_001318730.2, NM_001379.4); c.1801G>T, p.Asp601Tyr (NM_001318731.2); short protein forms D722Y, D601Y, D706Y.
Identifiers: ClinVar variation 1487088 (VCV001487088.8), dbSNP rs1254979538, ClinGen allele CA403930985.